The following is an entry in ClinVar:

NM_001174147.2(LMX1B):c.26C>T (p.Ser9Leu)

Gene: LMX1B (LIM homeobox transcription factor 1 beta; plus strand). Cytogenetic location: 9q33.3.
Variant type: single nucleotide variant.
Coding change: c.26C>T on transcript NM_001174147.2 (MANE Select); coding-DNA position 26, C replaced by T.
Protein change: p.Ser9Leu; replaces serine 9 with leucine.
Molecular consequence: missense variant.
Genome position (GRCh38, 1-based): chr9:126,614,475, C>T. VCF-style: chr9-126614475-C-T. GRCh37 (hg19) VCF-style: chr9-129376754-C-T.
Other names: c.26C>T, p.Ser9Leu (NM_001174146.2, NM_002316.4); short protein forms S9L.
Identifiers: ClinVar variation 3725538 (VCV003725538.2).

ClinVar aggregate classification (germline): Uncertain significance (1 of 4 stars; one submission).

Submission:

Labcorp Genetics (formerly Invitae), Labcorp
Classification: Uncertain significance. Last evaluated: 2024-11-19. Review status: criteria provided, single submitter. Criteria: Invitae Variant Classification Sherloc (09022015). Collection method: clinical testing. Allele origin: germline.
Comment: This sequence change replaces serine, which is neutral and polar, with leucine, which is neutral and non-polar, at codon 9 of the LMX1B protein (p.Ser9Leu). This variant is not present in population databases (gnomAD no frequency). This variant has not been reported in the literature in individuals affected with LMX1B-related conditions. An algorithm developed to predict the effect of missense changes on protein structure and function (PolyPhen-2) suggests that this variant is likely to be disruptive. In summary, the available evidence is currently insufficient to determine the role of this variant in disease. Therefore, it has been classified as a Variant of Uncertain Significance.